The following is an entry in ClinVar:

ClinVar aggregate classification (germline): Uncertain significance (1 of 4 stars; one submission).

Submission:

Ambry Genetics
Classification: Uncertain significance. Last evaluated: 2025-07-24. Review status: criteria provided, single submitter. Criteria: Ambry Variant Classification Scheme 2023. Collection method: clinical testing. Allele origin: germline.
Comment: The p.G461A variant (also known as c.1382G>C), located in coding exon 8 of the RNF43 gene, results from a G to C substitution at nucleotide position 1382. The glycine at codon 461 is replaced by alanine, an amino acid with similar properties. This amino acid position is conserved. In addition, this alteration is predicted to be tolerated by in silico analysis. Based on the available evidence, the clinical significance of this variant remains unclear.

NM_017763.6(RNF43):c.1382G>C (p.Gly461Ala)

Gene: RNF43 (ring finger protein 43; minus strand). Cytogenetic location: 17q22.
Variant type: single nucleotide variant.
Coding change: c.1382G>C on transcript NM_017763.6 (MANE Select); coding-DNA position 1382, G replaced by C.
Protein change: p.Gly461Ala; replaces glycine 461 with alanine.
Molecular consequence: missense variant.
Genome position (GRCh38, 1-based): chr17:58,358,394, C>G on the plus strand (G>C on the coding strand, the complement: RNF43 is on the minus strand). VCF-style: chr17-58358394-C-G. GRCh37 (hg19) VCF-style: chr17-56435755-C-G.
Other names: c.1382G>C, p.Gly461Ala (NM_001305544.3, NM_001438820.1, NM_001438821.1 and 1 more transcripts); c.1001G>C, p.Gly334Ala (NM_001305545.2, NM_001437987.1); short protein forms G461A, G334A.
Identifiers: ClinVar variation 4155759 (VCV004155759.1).